The following is an entry in ClinVar:

ClinVar aggregate classification (germline): Pathogenic/Likely pathogenic. Review status: criteria provided, multiple submitters, no conflicts (2 of 4 stars). 3 submissions from 3 submitters: Pathogenic (2); Likely pathogenic (1). Last evaluated 2025-06-29.

Conditions:
AP4M1-related disorder. Also called: AP4M1-related condition.
Hereditary spastic paraplegia 50 (SPG50). Also called: Spastic paraplegia 50, autosomal recessive. Identifiers: Orphanet 280763, MedGen C2752008, MONDO:0013048, OMIM 612936.

Submissions (3):

Labcorp Genetics (formerly Invitae), Labcorp
Classification: Pathogenic for Hereditary spastic paraplegia 50. Last evaluated: 2025-06-29. Review status: criteria provided, single submitter. Criteria: Invitae Variant Classification Sherloc (09022015). Collection method: clinical testing. Allele origin: germline.
Comment: This sequence change creates a premature translational stop signal (p.Val281Aspfs*8) in the AP4M1 gene. It is expected to result in an absent or disrupted protein product. Loss-of-function variants in AP4M1 are known to be pathogenic (PMID: 24700674, 25496299, 25558065). This variant is present in population databases (rs776788025, gnomAD 0.003%). This variant has not been reported in the literature in individuals affected with AP4M1-related conditions. ClinVar contains an entry for this variant (Variation ID: 450738). For these reasons, this variant has been classified as Pathogenic.

GeneDx
Classification: Pathogenic. Last evaluated: 2023-08-31. Review status: criteria provided, single submitter. Criteria: GeneDx Variant Classification Process June 2021. Collection method: clinical testing. Allele origin: germline. Affected: yes.
Comment: Frameshift variant predicted to result in protein truncation or nonsense mediated decay in a gene for which loss-of-function is a known mechanism of disease; Not observed at a significant frequency in large population cohorts (gnomAD); Has not been previously published as pathogenic or benign to our knowledge

Blueprint Genetics
Classification: Likely pathogenic for AP4M1-related disorders. Last evaluated: 2020-10-28. Review status: criteria provided, single submitter. Criteria: ACMG Guidelines, 2015. Collection method: clinical testing. Allele origin: germline. Affected: yes. Observed: 3 variant alleles.

Literature cited by the submitters: PubMed 24700674 (cited by Labcorp Genetics (formerly Invitae), Labcorp); PubMed 25496299 (cited by Labcorp Genetics (formerly Invitae), Labcorp); PubMed 25558065 (cited by Labcorp Genetics (formerly Invitae), Labcorp).

NM_004722.4(AP4M1):c.842_843del (p.Val281fs)

Gene: AP4M1 (adaptor related protein complex 4 subunit mu 1; plus strand). Cytogenetic location: 7q22.1.
Variant type: Microsatellite.
Coding change: c.842_843del on transcript NM_004722.4 (MANE Select); coding-DNA positions 842 to 843, 2 bases deleted (TG; older notation c.842_843delTG).
Protein change: p.Val281fs; shifts the reading frame from valine 281.
Molecular consequence: frameshift variant.
Genome position (GRCh38, 1-based): chr7:100,105,452-100,105,453, TG deleted; deleting any 2 consecutive bases within chr7:100,105,450-100,105,453 gives the same sequence; the c. name uses the placement nearest the transcript's 3' end. VCF-style (leftmost placement, unchanged base first): chr7-100105449-CTG-C. GRCh37 (hg19) VCF-style: chr7-99703072-CTG-C.
Other names: c.842_843delTG (NM_004722.3); c.863_864del, p.Val288fs (NM_001363671.2); short protein forms V281fs, V288fs.
Identifiers: ClinVar variation 450738 (VCV000450738.14), dbSNP rs776788025, ClinGen allele CA4374831.